The following is an entry in ClinVar:

NM_001083961.2(WDR62):c.2600G>A (p.Arg867Gln)

Gene: WDR62 (WD repeat domain 62; plus strand). Cytogenetic location: 19q13.12.
Variant type: single nucleotide variant.
Coding change: c.2600G>A on transcript NM_001083961.2 (MANE Select); coding-DNA position 2600, G replaced by A.
Protein change: p.Arg867Gln; replaces arginine 867 with glutamine.
Molecular consequence: missense variant.
Genome position (GRCh38, 1-based): chr19:36,099,478, G>A. VCF-style: chr19-36099478-G-A. GRCh37 (hg19) VCF-style: chr19-36590380-G-A.
Other names: c.2600G>A, p.Arg867Gln (NM_173636.5); short protein forms R867Q.
Identifiers: ClinVar variation 586940 (VCV000586940.10), dbSNP rs757558839, ClinGen allele CA9396000.

ClinVar aggregate classification (germline): Uncertain significance. Review status: criteria provided, multiple submitters, no conflicts (2 of 4 stars). 3 submissions from 3 submitters: Uncertain significance (3). Last evaluated 2025-08-29.

Conditions:
Inborn genetic diseases. Identifiers: MedGen C0950123, MeSH D030342.

Allele frequency attached by ClinVar (database versions not stated): gnomAD 0.00001; ExAC 0.00002; gnomAD exomes 0.00003; TOPMed 0.00004.
gnomAD v4.1: 49 of 1,613,922 alleles (0.003%); highest among the groups gnomAD compares: South Asian, 0.011%; no homozygotes.

Submissions (3):

Ambry Genetics
Classification: Uncertain significance for Inborn genetic diseases. Last evaluated: 2025-08-29. Review status: criteria provided, single submitter. Criteria: Ambry Variant Classification Scheme 2023. Collection method: clinical testing. Allele origin: germline.

Labcorp Genetics (formerly Invitae), Labcorp
Classification: Uncertain significance. Last evaluated: 2022-07-12. Review status: criteria provided, single submitter. Criteria: Invitae Variant Classification Sherloc (09022015). Collection method: clinical testing. Allele origin: germline.
Comment: Algorithms developed to predict the effect of missense changes on protein structure and function are either unavailable or do not agree on the potential impact of this missense change (SIFT: "Tolerated"; PolyPhen-2: "Probably Damaging"; Align-GVGD: "Class C0"). In summary, the available evidence is currently insufficient to determine the role of this variant in disease. Therefore, it has been classified as a Variant of Uncertain Significance. ClinVar contains an entry for this variant (Variation ID: 586940). This variant has not been reported in the literature in individuals affected with WDR62-related conditions. This variant is present in population databases (rs757558839, gnomAD 0.01%). This sequence change replaces arginine, which is basic and polar, with glutamine, which is neutral and polar, at codon 867 of the WDR62 protein (p.Arg867Gln).

Athena Diagnostics
Classification: Uncertain significance. Last evaluated: 2018-02-16. Review status: criteria provided, single submitter. Criteria: Athena Diagnostics Criteria. Collection method: clinical testing. Allele origin: germline.